The following is an entry in ClinVar:

NM_001843.4(CNTN1):c.703+4_703+7del

Gene: CNTN1 (contactin 1; plus strand). Cytogenetic location: 12q12.
Variant type: Deletion.
Coding change: c.703+4_703+7del on transcript NM_001843.4 (MANE Select); bases 4 to 7 of the intron after coding-DNA position 703, 4 bases deleted (AGTA; older notation c.703+4_703+7delAGTA).
Molecular consequence: splice donor variant.
Genome position (GRCh38, 1-based): chr12:40,930,006-40,930,009, AGTA deleted; deleting any 4 consecutive bases within chr12:40,930,003-40,930,009 gives the same sequence; the c. name uses the placement nearest the transcript's 3' end. VCF-style (leftmost placement, unchanged base first): chr12-40930002-CGTAA-C. GRCh37 (hg19) VCF-style: chr12-41323804-CGTAA-C.
Other names: c.703+4_703+7del (NM_001256063.2, NM_001256064.2); c.670+4_670+7del (NM_175038.2).
Identifiers: ClinVar variation 3624417 (VCV003624417.2).
Genomic context (GRCh38, chr12:40,930,002, plus strand): 5'-AGTCCTTCTATTACAAAGAGCGTGTTCAGCAAATTCATCCCACTCATTCCAATACCTGAA[CGTAA>C]GTATTTTATTTGTTACACTCTGTTTTCGCAAGGTTATCTACATATGGTATACTTACCGTA-3'

ClinVar aggregate classification (germline): Uncertain significance (1 of 4 stars; one submission).

Conditions:
Compton-North congenital myopathy (CMYO12). Identifiers: Orphanet 210163, MedGen C2675527, MONDO:0012929, OMIM 612540.

Submission:

Labcorp Genetics (formerly Invitae), Labcorp
Classification: Uncertain significance for Compton-North congenital myopathy. Last evaluated: 2024-10-30. Review status: criteria provided, single submitter. Criteria: Invitae Variant Classification Sherloc (09022015). Collection method: clinical testing. Allele origin: germline.
Comment: This sequence change falls in intron 7 of the CNTN1 gene. It does not directly change the encoded amino acid sequence of the CNTN1 protein. It affects a nucleotide within the consensus splice site. This variant is not present in population databases (gnomAD no frequency). This variant has not been reported in the literature in individuals affected with CNTN1-related conditions. Variants that disrupt the consensus splice site are a relatively common cause of aberrant splicing (PMID: 17576681, 9536098). Algorithms developed to predict the effect of sequence changes on RNA splicing suggest that this variant may disrupt the consensus splice site. In summary, the available evidence is currently insufficient to determine the role of this variant in disease. Therefore, it has been classified as a Variant of Uncertain Significance.

Literature cited by the submitters: PubMed 17576681; PubMed 9536098.